The following is an entry in ClinVar:

NM_138638.5(CFL2):c.4-161C>G

Gene: CFL2 (cofilin 2; minus strand). Cytogenetic location: 14q13.1.
Variant type: single nucleotide variant.
Coding change: c.4-161C>G on transcript NM_138638.5 (MANE Select); 161 bases into the intron before coding-DNA position 4, C replaced by G.
Molecular consequence: intron variant. On other transcripts: 5 prime UTR variant (1).
Genome position (GRCh38, 1-based): chr14:34,713,722, G>C on the plus strand (C>G on the coding strand, the complement: CFL2 is on the minus strand). VCF-style: chr14-34713722-G-C. GRCh37 (hg19) VCF-style: chr14-35182928-G-C.
Other names: c.-46C>G (NM_021914.8); c.-48-161C>G (NM_001243645.2).
Identifiers: ClinVar variation 668203 (VCV000668203.1), dbSNP rs1205033952, ClinGen allele CA613804034.

ClinVar aggregate classification (germline): Likely benign (1 of 4 stars; one submission).

Allele frequency attached by ClinVar (database versions not stated): gnomAD exomes below 0.00001; TOPMed below 0.00001; gnomAD 0.00001.
gnomAD v4.1: 4 of 1,612,156 alleles (0.00025%); highest among the groups gnomAD compares: African/African-American, 0.004%; no homozygotes.

Submission:

GeneDx
Classification: Likely benign. Last evaluated: 2018-05-14. Review status: criteria provided, single submitter. Criteria: GeneDx Variant Classification (06012015). Collection method: clinical testing. Allele origin: germline. Affected: yes.
Comment: This variant is considered likely benign or benign based on one or more of the following criteria: it is a conservative change, it occurs at a poorly conserved position in the protein, it is predicted to be benign by multiple in silico algorithms, and/or has population frequency not consistent with disease.